The following is an entry in ClinVar:

NM_004523.4(KIF11):c.2494C>T (p.Gln832Ter)

Gene: KIF11 (kinesin family member 11; plus strand). Cytogenetic location: 10q23.33.
Variant type: single nucleotide variant.
Coding change: c.2494C>T on transcript NM_004523.4 (MANE Select); coding-DNA position 2494, C replaced by T.
Protein change: p.Gln832Ter; replaces glutamine 832 with a stop codon.
Molecular consequence: nonsense.
Genome position (GRCh38, 1-based): chr10:92,645,589, C>T. VCF-style: chr10-92645589-C-T. GRCh37 (hg19) VCF-style: chr10-94405346-C-T.
Other names: short protein forms Q832*.
Identifiers: ClinVar variation 849766 (VCV000849766.7), dbSNP rs1844910145, ClinGen allele CA377594363.

ClinVar aggregate classification (germline): Pathogenic (1 of 4 stars; one submission).

Submission:

Labcorp Genetics (formerly Invitae), Labcorp
Classification: Pathogenic. Last evaluated: 2019-12-14. Review status: criteria provided, single submitter. Criteria: Invitae Variant Classification Sherloc (09022015). Collection method: clinical testing. Allele origin: germline.
Comment: For these reasons, this variant has been classified as Pathogenic. Loss-of-function variants in KIF11 are known to be pathogenic (PMID: 24281367). This variant has not been reported in the literature in individuals with KIF11-related conditions. This variant is not present in population databases (ExAC no frequency). This sequence change creates a premature translational stop signal (p.Gln832*) in the KIF11 gene. It is expected to result in an absent or disrupted protein product.

Literature cited by the submitters: PubMed 24281367.